The following is an entry in ClinVar:

ClinVar aggregate classification (germline): Uncertain significance. Review status: criteria provided, multiple submitters, no conflicts (2 of 4 stars). 2 submissions from 2 submitters: Uncertain significance (2). Last evaluated 2023-05-08.

Conditions:
Hereditary cancer-predisposing syndrome. Also called: Hereditary neoplastic syndrome; Neoplastic Syndromes, Hereditary; Hereditary Cancer Syndrome; Tumor predisposition. Identifiers: Orphanet 140162, MedGen C0027672, MeSH D009386, MONDO:0015356.
Pheochromocytoma. Also called: MAX-Related Hereditary Paraganglioma-Pheochromocytoma Syndrome. Identifiers: Orphanet 29072, MedGen C0031511, MONDO:0008233, OMIM 171300, HP:0002666.
Paragangliomas with sensorineural hearing loss. Identifiers: MedGen C1868633.
Carney-Stratakis syndrome. Also called: PARAGANGLIOMA AND GASTROINTESTINAL STROMAL TUMOR. Identifiers: Orphanet 97286, MedGen C1847319, MONDO:0011740, OMIM 606864.
Cowden syndrome 3 (CWS3). Identifiers: Orphanet 201, MedGen CN166604, MONDO:0014045.

Allele frequency attached by ClinVar (database versions not stated): gnomAD exomes below 0.00001; TOPMed below 0.00001; gnomAD 0.00001.

Submissions (2):

Ambry Genetics
Classification: Uncertain significance for Hereditary cancer-predisposing syndrome. Last evaluated: 2023-05-08. Review status: criteria provided, single submitter. Criteria: Ambry Variant Classification Scheme 2023. Collection method: clinical testing. Allele origin: germline.
Comment: The p.V115A variant (also known as c.344T>C), located in coding exon 4 of the SDHD gene, results from a T to C substitution at nucleotide position 344. The valine at codon 115 is replaced by alanine, an amino acid with similar properties. This amino acid position is conserved. In addition, this alteration is predicted to be deleterious by in silico analysis. Since supporting evidence is limited at this time, the clinical significance of this alteration remains unclear.

Labcorp Genetics (formerly Invitae), Labcorp
Classification: Uncertain significance for Carney-Stratakis syndrome; Paragangliomas with sensorineural hearing loss; Pheochromocytoma; Cowden syndrome 3. Last evaluated: 2022-07-30. Review status: criteria provided, single submitter. Criteria: Invitae Variant Classification Sherloc (09022015). Collection method: clinical testing. Allele origin: germline.
Comment: This variant has not been reported in the literature in individuals affected with SDHD-related conditions. This variant is present in population databases (no rsID available, gnomAD 0.0009%). This sequence change replaces valine, which is neutral and non-polar, with alanine, which is neutral and non-polar, at codon 115 of the SDHD protein (p.Val115Ala). In summary, the available evidence is currently insufficient to determine the role of this variant in disease. Therefore, it has been classified as a Variant of Uncertain Significance. Advanced modeling of protein sequence and biophysical properties (such as structural, functional, and spatial information, amino acid conservation, physicochemical variation, residue mobility, and thermodynamic stability) performed at Invitae indicates that this missense variant is expected to disrupt SDHD protein function. ClinVar contains an entry for this variant (Variation ID: 1484590).

NM_003002.4(SDHD):c.344T>C (p.Val115Ala)

Gene: SDHD (succinate dehydrogenase complex subunit D; plus strand). Cytogenetic location: 11q23.1.
Variant type: single nucleotide variant.
Coding change: c.344T>C on transcript NM_003002.4 (MANE Select); coding-DNA position 344, T replaced by C.
Protein change: p.Val115Ala; replaces valine 115 with alanine.
Molecular consequence: missense variant. On other transcripts: 3 prime UTR variant (1), non-coding transcript variant (1).
Genome position (GRCh38, 1-based): chr11:112,094,834, T>C. VCF-style: chr11-112094834-T-C. GRCh37 (hg19) VCF-style: chr11-111965558-T-C.
Other names: c.199T>C, p.Phe67Leu (NM_001276503.2); c.227T>C, p.Val76Ala (NM_001276504.2); c.*42T>C (NM_001276506.2); c.344T>C (NM_003002.2); short protein forms F67L, V115A, V76A.
Identifiers: ClinVar variation 1484590 (VCV001484590.6), dbSNP rs1489012268, ClinGen allele CA382618865.